The following is an entry in ClinVar:

ClinVar aggregate classification (germline): Conflicting classifications of pathogenicity. Review status: criteria provided, conflicting classifications (1 of 4 stars). 6 submissions from 6 submitters: Uncertain significance (4); Likely benign (1). 1 of the submissions does not count toward it. Last evaluated 2026-06-01.

Conditions:
Nemaline myopathy 2 (NEM2). Also called: Nemaline myopathy 2, autosomal recessive. Identifiers: MedGen C1850569, MONDO:0009725, OMIM 256030.

Allele frequency attached by ClinVar (database versions not stated): gnomAD exomes 0.00006; ExAC 0.00007; gnomAD 0.00011 and 0.00012; ESP Exome Variant Server 0.00017; TOPMed 0.00019.
gnomAD v4.1: 105 of 1,607,192 alleles (0.0065%); highest among the groups gnomAD compares: Non-Finnish European, 0.0077%; no homozygotes.

Submissions (6):

CeGaT Center for Human Genetics Tuebingen
Classification: Uncertain significance. Last evaluated: 2026-06-01. Review status: criteria provided, single submitter. Criteria: CeGaT Center For Human Genetics Tuebingen Variant Classification Criteria Version 2. Collection method: clinical testing. Allele origin: germline. Affected: yes. Observed: 2 variant alleles.
Comment: NEB: PM2

Labcorp Genetics (formerly Invitae), Labcorp
Classification: Likely benign for Nemaline myopathy 2. Last evaluated: 2025-12-27. Review status: criteria provided, single submitter. Criteria: Invitae Variant Classification Sherloc (09022015). Collection method: clinical testing. Allele origin: germline.

Blueprint Genetics
Classification: Uncertain significance. Last evaluated: 2024-10-25. Review status: criteria provided, single submitter. Criteria: ACMG Guidelines, 2015. Collection method: clinical testing. Allele origin: germline.

Revvity Omics, Revvity
Classification: Uncertain significance. Last evaluated: 2024-10-07. Review status: criteria provided, single submitter. Criteria: ACMG Guidelines, 2015. Collection method: clinical testing. Allele origin: germline.

Illumina Laboratory Services, Illumina
Classification: Uncertain significance for Nemaline myopathy 2. Last evaluated: 2018-01-13. Review status: criteria provided, single submitter. Criteria: ICSL Variant Classification Criteria 13 December 2019. Collection method: clinical testing. Allele origin: germline.

Natera, Inc.
Classification: Uncertain significance for Nemaline myopathy type 2. Last evaluated: 2020-01-24. Review status: no assertion criteria provided. Collection method: clinical testing. Allele origin: germline. Not counted in ClinVar's aggregate classification.

NM_001164508.2(NEB):c.16984G>A (p.Ala5662Thr)

Gene: NEB (nebulin; minus strand). Cytogenetic location: 2q23.3.
Variant type: single nucleotide variant.
Coding change: c.16984G>A on transcript NM_001164508.2 (MANE Select); coding-DNA position 16984, G replaced by A.
Protein change: p.Ala5662Thr; replaces alanine 5662 with threonine.
Molecular consequence: missense variant.
Genome position (GRCh38, 1-based): chr2:151,575,724, C>T on the plus strand (G>A on the coding strand, the complement: NEB is on the minus strand). VCF-style: chr2-151575724-C-T. GRCh37 (hg19) VCF-style: chr2-152432238-C-T.
Other names: c.16984G>A, p.Ala5662Thr (NM_001164507.2, NM_001271208.2); c.11881G>A, p.Ala3961Thr (NM_004543.5); short protein forms A3961T, A5662T.
Identifiers: ClinVar variation 893688 (VCV000893688.17), dbSNP rs375294508, ClinGen allele CA1908331.
Genomic context (GRCh38, chr2:151,575,724, plus strand): 5'-AAACAAAAAGAGAGTCTGTTGTAGTACTTACATTGCTCACATTAAGAGCATTTGCTCTAG[C>T]GAGATTAATTTCTGGAGTATCTGGCATTATGTGTATTGAAGTTTTATCCTTGTCCCAAAC-3'
Protein context (NP_001157980.2, residues 5652-5672): IMPDTPEINL[Ala5662Thr]RANALNVSNK